The following is an entry in ClinVar:

ClinVar aggregate classification (germline): Uncertain significance (1 of 4 stars; one submission).

gnomAD v4.1: 1 of 1,613,080 alleles (0.000062%); highest among the groups gnomAD compares: Non-Finnish European, 0.000085%; no homozygotes.

Submission:

Women's Health and Genetics/Laboratory Corporation of America, LabCorp
Classification: Uncertain significance. Last evaluated: 2025-04-08. Review status: criteria provided, single submitter. Criteria: LabCorp Variant Classification Summary - May 2015. Collection method: clinical testing. Allele origin: germline.
Comment: Variant summary: ARSA c.575A>T (p.Gln192Leu) results in a non-conservative amino acid change in the encoded protein sequence. Three of four in-silico tools predict a damaging effect of the variant on protein function. The frequency data for this variant in gnomAD is considered unreliable, as metrics indicate poor data quality at this position. To our knowledge, no occurrence of c.575A>T in individuals affected with Metachromatic Leukodystrophy and no experimental evidence demonstrating its impact on protein function have been reported. No submitters have cited clinical-significance assessments for this variant to ClinVar. Based on the evidence outlined above, the variant was classified as uncertain significance.

NM_000487.6(ARSA):c.575A>T (p.Gln192Leu)

Gene: ARSA (arylsulfatase A; minus strand). Cytogenetic location: 22q13.33.
Variant type: single nucleotide variant.
Coding change: c.575A>T on transcript NM_000487.6 (MANE Select); coding-DNA position 575, A replaced by T.
Protein change: p.Gln192Leu; replaces glutamine 192 with leucine.
Molecular consequence: missense variant.
Genome position (GRCh38, 1-based): chr22:50,626,943, T>A on the plus strand (A>T on the coding strand, the complement: ARSA is on the minus strand). VCF-style: chr22-50626943-T-A. GRCh37 (hg19) VCF-style: chr22-51065371-T-A.
Other names: c.575A>T, p.Gln192Leu (NM_001085425.3, NM_001085426.3, NM_001085427.3); c.317A>T, p.Gln106Leu (NM_001085428.3, NM_001362782.2); short protein forms Q106L, Q192L.
Identifiers: ClinVar variation 3896431 (VCV003896431.2).
Genomic context (GRCh38, chr22:50,626,943, plus strand): 5'-GCCATGAGGTCATGGGCGAAAGCCATGTAGCGGGCCTCTAGTCCGGGCAGCCAGGGGGGC[T>A]GCGCCTCCACGGACAGGTTGGCCAACAGTGGGATGGGGACCAGGCCCTGGTCACAGCCAC-3'
Protein context (NP_000478.3, residues 182-202): PLLANLSVEA[Gln192Leu]PPWLPGLEAR